The following is an entry in ClinVar:

NM_001845.6(COL4A1):c.384A>G (p.Thr128=)

Gene: COL4A1 (collagen type IV alpha 1 chain; minus strand). Cytogenetic location: 13q34.
Variant type: single nucleotide variant.
Coding change: c.384A>G on transcript NM_001845.6 (MANE Select); coding-DNA position 384, A replaced by G.
Protein change: p.Thr128=; no amino-acid change (threonine 128 retained).
Molecular consequence: synonymous variant.
Genome position (GRCh38, 1-based): chr13:110,212,420, T>C on the plus strand (A>G on the coding strand, the complement: COL4A1 is on the minus strand). VCF-style: chr13-110212420-T-C. GRCh37 (hg19) VCF-style: chr13-110864767-T-C.
Other names: c.384A>G, p.Thr128= (NM_001303110.2).
Identifiers: ClinVar variation 3030207 (VCV003030207.2), dbSNP rs1247305231, ClinGen allele CA484788992.

ClinVar aggregate classification (germline): Likely benign (0 of 4 stars; one submission).

Conditions:
COL4A1-related disorder. Also called: COL4A1-related disorders; COL4A1-related condition. Identifiers: MedGen CN376119, MONDO:0800461.

Allele frequency attached by ClinVar (database versions not stated): TOPMed below 0.00001; gnomAD 0.00001; gnomAD exomes 0.00001.
gnomAD v4.1: 8 of 1,613,588 alleles (0.0005%); highest among the groups gnomAD compares: African/African-American, 0.0013%; no homozygotes.

Submission:

PreventionGenetics, part of Exact Sciences
Classification: Likely benign for COL4A1-related condition. Last evaluated: 2021-02-22. Review status: no assertion criteria provided. Collection method: clinical testing. Allele origin: germline.
Comment: This variant is classified as likely benign based on ACMG/AMP sequence variant interpretation guidelines (Richards et al. 2015 PMID: 25741868, with internal and published modifications).